The following is an entry in ClinVar:

NM_022835.3(PLEKHG2):c.112C>T (p.Pro38Ser)

Gene: PLEKHG2 (pleckstrin homology and RhoGEF domain containing G2; plus strand). Cytogenetic location: 19q13.2.
Variant type: single nucleotide variant.
Coding change: c.112C>T on transcript NM_022835.3 (MANE Select); coding-DNA position 112, C replaced by T.
Protein change: p.Pro38Ser; replaces proline 38 with serine.
Molecular consequence: missense variant. On other transcripts: intron variant (1).
Genome position (GRCh38, 1-based): chr19:39,414,994, C>T. VCF-style: chr19-39414994-C-T. GRCh37 (hg19) VCF-style: chr19-39905634-C-T.
Other names: c.112C>T, p.Pro38Ser (NM_001351694.2); c.110-175C>T (NM_001351693.2); short protein forms P38S.
Identifiers: ClinVar variation 1034015 (VCV001034015.1), dbSNP rs767924564, ClinGen allele CA9428987.
Genomic context (GRCh38, chr19:39,414,994, plus strand): 5'-GCTGTGGAAGTCCGTGCATGGGGAGATTTCTCTGACCTCCTGTTCCACACCCCAGCAGCT[C>T]CTGCAGCCCCCACCATGGCCTCCCCCCGAGGTTCTGGGAGCTCCACATCCCTGAGCACAG-3'
Protein context (NP_073746.2, residues 28-48): CGTVCETRTA[Pro38Ser]AAPTMASPRG

ClinVar aggregate classification (germline): Uncertain significance (1 of 4 stars; one submission).

Conditions:
Leukodystrophy and acquired microcephaly with or without dystonia;. Also called: Leukodystrophy and acquired microcephaly with or without dystonia. Identifiers: MedGen C4225213, MONDO:0014766, OMIM 616763.

Allele frequency attached by ClinVar (database versions not stated): TOPMed below 0.00001 and 0.00001; gnomAD 0.00001.

Submission:

Baylor Genetics
Classification: Uncertain significance for Leukodystrophy and acquired microcephaly with or without dystonia;. Last evaluated: 2018-04-03. Review status: criteria provided, single submitter. Criteria: ACMG Guidelines, 2015. Collection method: clinical testing. Allele origin: paternal. Affected: yes.
Comment: This variant was determined to be of uncertain significance according to ACMG Guidelines, 2015 [PMID:25741868].